The following is an entry in ClinVar:

ClinVar aggregate classification (germline): Likely benign. Review status: criteria provided, multiple submitters, no conflicts (2 of 4 stars). 2 submissions from 2 submitters: Likely benign (2). Last evaluated 2026-04-01.

gnomAD v4.1: 32 of 1,595,408 alleles (0.002%); highest among the groups gnomAD compares: East Asian, 0.038%; no homozygotes.

Submissions (2):

CeGaT Center for Human Genetics Tuebingen
Classification: Likely benign. Last evaluated: 2026-04-01. Review status: criteria provided, single submitter. Criteria: CeGaT Center For Human Genetics Tuebingen Variant Classification Criteria Version 2. Collection method: clinical testing. Allele origin: germline. Affected: yes. Observed: 1 variant allele.
Comment: ZFHX3: BP4, BP7

Ambry Genetics
Classification: Likely benign. Last evaluated: 2025-04-30. Review status: criteria provided, single submitter. Criteria: Ambry Variant Classification Scheme 2023. Collection method: clinical testing. Allele origin: germline.

NM_006885.4(ZFHX3):c.336C>T (p.Ser112=)

Gene: ZFHX3 (zinc finger homeobox 3; minus strand). Cytogenetic location: 16q22.3.
Variant type: single nucleotide variant.
Coding change: c.336C>T on transcript NM_006885.4 (MANE Select); coding-DNA position 336, C replaced by T.
Protein change: p.Ser112=; no amino-acid change (serine 112 retained).
Molecular consequence: synonymous variant. On other transcripts: intron variant (1).
Genome position (GRCh38, 1-based): chr16:72,959,810, G>A on the plus strand (C>T on the coding strand, the complement: ZFHX3 is on the minus strand). VCF-style: chr16-72959810-G-A. GRCh37 (hg19) VCF-style: chr16-72993709-G-A.
Other names: c.336C>T, p.Ser112= (NM_001386735.1); c.-23-8845C>T (NM_001164766.2).
Identifiers: ClinVar variation 3984508 (VCV003984508.3).